The following is an entry in ClinVar:

NM_002439.5(MSH3):c.3102C>G (p.Val1034=)

Gene: MSH3 (mutS homolog 3; plus strand). Cytogenetic location: 5q14.1.
Variant type: single nucleotide variant.
Coding change: c.3102C>G on transcript NM_002439.5 (MANE Select); coding-DNA position 3102, C replaced by G.
Protein change: p.Val1034=; no amino-acid change (valine 1034 retained).
Molecular consequence: synonymous variant.
Genome position (GRCh38, 1-based): chr5:80,864,914, C>G. VCF-style: chr5-80864914-C-G. GRCh37 (hg19) VCF-style: chr5-80160733-C-G.
Other names: c.3102C>G (NM_002439.3).
Identifiers: ClinVar variation 1160253 (VCV001160253.10), dbSNP rs749309440, ClinGen allele CA121752178.

ClinVar aggregate classification (germline): Conflicting classifications of pathogenicity. Review status: criteria provided, conflicting classifications (1 of 4 stars). 2 submissions from 2 submitters: Uncertain significance (1); Likely benign (1). Last evaluated 2024-04-29.

Conditions:
Hereditary cancer-predisposing syndrome. Also called: Tumor predisposition; Neoplastic Syndromes, Hereditary; Hereditary Cancer Syndrome; Hereditary neoplastic syndrome. Identifiers: Orphanet 140162, MedGen C0027672, MeSH D009386, MONDO:0015356.

Allele frequency attached by ClinVar (database versions not stated): gnomAD exomes below 0.00001; TOPMed below 0.00001.
gnomAD v4.1: 1 of 1,613,832 alleles (0.000062%); highest among the groups gnomAD compares: African/African-American, 0.0013%; no homozygotes.

Submissions (2):

Labcorp Genetics (formerly Invitae), Labcorp
Classification: Likely benign. Last evaluated: 2024-04-29. Review status: criteria provided, single submitter. Criteria: Invitae Variant Classification Sherloc (09022015). Collection method: clinical testing. Allele origin: germline.

Ambry Genetics
Classification: Uncertain significance for Hereditary cancer-predisposing syndrome. Last evaluated: 2022-11-21. Review status: criteria provided, single submitter. Criteria: Ambry Variant Classification Scheme 2023. Collection method: clinical testing. Allele origin: germline.
Comment: The c.3102C>G variant (also known as p.V1034V), located in coding exon 22 of the MSH3 gene, results from a C to G substitution at nucleotide position 3102. This nucleotide substitution does not change the at codon 1034. This nucleotide position is not well conserved in available vertebrate species. In silico splice site analysis for this alteration is inconclusive. Since supporting evidence is limited at this time, the clinical significance of this alteration remains unclear.